The following is an entry in ClinVar:

ClinVar aggregate classification (germline): Pathogenic (1 of 4 stars; one submission).

Conditions:
Hereditary cancer-predisposing syndrome. Also called: Neoplastic Syndromes, Hereditary; Tumor predisposition; Hereditary Cancer Syndrome; Hereditary neoplastic syndrome. Identifiers: Orphanet 140162, MedGen C0027672, MeSH D009386, MONDO:0015356.

Submission:

Ambry Genetics
Classification: Pathogenic for Hereditary cancer-predisposing syndrome. Last evaluated: 2018-01-19. Review status: criteria provided, single submitter. Criteria: Ambry Variant Classification Scheme 2023. Collection method: clinical testing. Allele origin: germline.
Comment: The c.1716dupT variant, located in coding exon 8 of the BARD1 gene, results from a duplication of T at nucleotide position 1716, causing a translational frameshift with a predicted alternate stop codon (p.I573Yfs*15). This alteration is expected to result in loss of function by premature protein truncation or nonsense-mediated mRNA decay. As such, this alteration is interpreted as a disease-causing mutation.

NM_000465.4(BARD1):c.1716dup (p.Ile573fs)

Gene: BARD1 (BRCA1 associated RING domain 1; minus strand). Cytogenetic location: 2q35.
Variant type: Duplication.
Coding change: c.1716dup on transcript NM_000465.4 (MANE Select); coding-DNA position 1716, one base duplicated (T; older notation c.1716dupT).
Protein change: p.Ile573fs; shifts the reading frame from isoleucine 573.
Molecular consequence: frameshift variant. On other transcripts: non-coding transcript variant (3), intron variant (1).
Genome position (GRCh38, 1-based): chr2:214,745,816, A duplicated on the plus strand (T on the coding strand, the reverse complement: BARD1 is on the minus strand); the first of 2 consecutive A bases (chr2:214,745,816-214,745,817); duplicating either gives the same sequence. VCF-style (leftmost placement, unchanged base first): chr2-214745815-T-TA. GRCh37 (hg19) VCF-style: chr2-215610539-T-TA.
Other names: c.1659dup, p.Ile554fs (NM_001282543.2); c.363dup, p.Ile122fs (NM_001282545.2); c.306dup, p.Ile103fs (NM_001282548.2); c.365-15309dup (NM_001282549.2); short protein forms I122fs, I103fs, I573fs, I554fs.
Identifiers: ClinVar variation 819895 (VCV000819895.4), dbSNP rs1574739562, ClinGen allele CA915941713.